The following is an entry in ClinVar:

ClinVar aggregate classification (germline): Conflicting classifications of pathogenicity. Review status: criteria provided, conflicting classifications (1 of 4 stars). 7 submissions from 7 submitters: Uncertain significance (6); Likely benign (1). Last evaluated 2026-03-30.

Conditions:
Combined osteogenesis imperfecta and Ehlers-Danlos syndrome 2. Also called: OIEDS SYNDROME 2. Identifiers: MedGen C5436847, MONDO:0030855, OMIM 619120.
Cardiovascular phenotype. Identifiers: MedGen CN230736.
Ehlers-Danlos syndrome, classic type, 1 (EDSCL1). Also called: Ehlers-Danlos Syndrome, Classic Type, COL5A1-Related; EHLERS-DANLOS SYNDROME, GRAVIS TYPE; EHLERS-DANLOS SYNDROME, SEVERE CLASSIC TYPE; EDS I; Ehlers-Danlos syndrome, type 1. Identifiers: MedGen C0268335, MONDO:0019567, OMIM 130000.
Osteogenesis imperfecta type I (OI1). Also called: Lobstein's Disease; Osteogenesis imperfecta type 1; OI, TYPE I; OSTEOGENESIS IMPERFECTA TARDA; OSTEOGENESIS IMPERFECTA WITH BLUE SCLERAE; Classic Non-deforming Osteogenesis Imperfecta with Blue Sclerae. Identifiers: Orphanet 216796, Orphanet 666, MedGen C0023931, MONDO:0008146, OMIM 166200. Disease mechanism: loss of function.

Allele frequency attached by ClinVar (database versions not stated): ExAC 0.00004; gnomAD 0.00006; TOPMed 0.00006; ESP Exome Variant Server 0.00008.
gnomAD v4.1: 167 of 1,613,974 alleles (0.01%); highest among the groups gnomAD compares: South Asian, 0.019%; no homozygotes.

Submissions (7):

Women's Health and Genetics/Laboratory Corporation of America, LabCorp
Classification: Uncertain significance. Last evaluated: 2026-03-30. Review status: criteria provided, single submitter. Criteria: LabCorp Variant Classification Summary - May 2015. Collection method: clinical testing. Allele origin: germline.
Comment: Variant summary: COL1A2 c.949G>A (p.Val317Ile) results in a conservative amino acid change in the encoded protein sequence. Algorithms developed to predict the effect of missense changes on protein structure and function are either unavailable or do not agree on the potential impact of this missense change. The variant allele was found at a frequency of 3.6e-05 in 251428 control chromosomes. The available data on variant occurrences in the general population are insufficient to allow any conclusion about variant significance. To our knowledge, no occurrence of c.949G>A in individuals affected with COL1A2-related conditions and no experimental evidence demonstrating its impact on protein function have been reported. ClinVar contains an entry for this variant (Variation ID: 570172). Based on the evidence outlined above, the variant was classified as uncertain significance.

Labcorp Genetics (formerly Invitae), Labcorp
Classification: Uncertain significance for Osteogenesis imperfecta type I; Ehlers-Danlos syndrome, classic type, 1. Last evaluated: 2025-12-28. Review status: criteria provided, single submitter. Criteria: Invitae Variant Classification Sherloc (09022015). Collection method: clinical testing. Allele origin: germline.
Comment: This sequence change replaces valine, which is neutral and non-polar, with isoleucine, which is neutral and non-polar, at codon 317 of the COL1A2 protein (p.Val317Ile). This variant is present in population databases (rs142803502, gnomAD 0.02%). This variant has not been reported in the literature in individuals affected with COL1A2-related conditions. ClinVar contains an entry for this variant (Variation ID: 570172). Invitae Evidence Modeling of protein sequence and biophysical properties (such as structural, functional, and spatial information, amino acid conservation, physicochemical variation, residue mobility, and thermodynamic stability) indicates that this missense variant is not expected to disrupt COL1A2 protein function with a negative predictive value of 95%. In summary, the available evidence is currently insufficient to determine the role of this variant in disease. Therefore, it has been classified as a Variant of Uncertain Significance.

Ambry Genetics
Classification: Uncertain significance for Cardiovascular phenotype. Last evaluated: 2024-12-16. Review status: criteria provided, single submitter. Criteria: Ambry Variant Classification Scheme 2023. Collection method: clinical testing. Allele origin: germline.
Comment: The p.V317I variant (also known as c.949G>A), located in coding exon 19 of the COL1A2 gene, results from a G to A substitution at nucleotide position 949. The valine at codon 317 is replaced by isoleucine, an amino acid with highly similar properties. This amino acid position is well conserved in available vertebrate species. In addition, this alteration is predicted to be tolerated by in silico analysis. Since supporting evidence is limited at this time, the clinical significance of this alteration remains unclear.

Blueprint Genetics
Classification: Likely benign. Last evaluated: 2024-03-01. Review status: criteria provided, single submitter. Criteria: ACMG Guidelines, 2015. Collection method: clinical testing. Allele origin: germline.

GeneDx
Classification: Uncertain significance. Last evaluated: 2024-01-17. Review status: criteria provided, single submitter. Criteria: GeneDx Variant Classification Process June 2021. Collection method: clinical testing. Allele origin: germline. Affected: yes.
Comment: Has not been previously published as pathogenic or benign to our knowledge; In silico analysis supports that this missense variant does not alter protein structure/function; Occurs in the triple helical domain at the X position in the canonical Gly-X-Y repeat; although this variant may have an effect on normal protein folding and function, missense substitution at the X position is not a common mechanism of disease (HGMD)

ARUP Laboratories, Molecular Genetics and Genomics, ARUP Laboratories
Classification: Uncertain significance. Last evaluated: 2023-05-10. Review status: criteria provided, single submitter. Criteria: ARUP Molecular Germline Variant Investigation Process 2024. Collection method: clinical testing. Allele origin: germline.
Comment: The COL1A2 c.949G>A; p.Val317Ile variant (rs142803502), to our knowledge, is not reported in the medical literature but is reported in ClinVar (Variation ID: 570172). This variant is found in the general population with an overall allele frequency of 0.004% (11/282818 alleles) in the Genome Aggregation Database. Computational analyses are uncertain whether this variant is neutral or deleterious (REVEL: 0.357). Due to limited information, the clinical significance of this variant is uncertain at this time.

MGZ Medical Genetics Center
Classification: Uncertain significance for Combined osteogenesis imperfecta and Ehlers-Danlos syndrome 2. Last evaluated: 2021-08-12. Review status: criteria provided, single submitter. Criteria: ACMG Guidelines, 2015. Collection method: clinical testing. Allele origin: germline. Affected: yes. Observed: 1 variant allele.
Comment: ACMG criteria applied: PM1, PM2_SUP, PP3

NM_000089.4(COL1A2):c.949G>A (p.Val317Ile)

Gene: COL1A2 (collagen type I alpha 2 chain; plus strand). Cytogenetic location: 7q21.3.
Variant type: single nucleotide variant.
Coding change: c.949G>A on transcript NM_000089.4 (MANE Select); coding-DNA position 949, G replaced by A.
Protein change: p.Val317Ile; replaces valine 317 with isoleucine.
Molecular consequence: missense variant.
Genome position (GRCh38, 1-based): chr7:94,409,735, G>A. VCF-style: chr7-94409735-G-A. GRCh37 (hg19) VCF-style: chr7-94039047-G-A.
Other names: short protein forms V317I.
Identifiers: ClinVar variation 570172 (VCV000570172.25), dbSNP rs142803502, ClinGen allele CA4346895.